The following is an entry in ClinVar:

NM_001083614.2(EARS2):c.545A>G (p.Asp182Gly)

Gene: EARS2 (glutamyl-tRNA synthetase 2, mitochondrial; minus strand). Cytogenetic location: 16p12.2.
Variant type: single nucleotide variant.
Coding change: c.545A>G on transcript NM_001083614.2 (MANE Select); coding-DNA position 545, A replaced by G.
Protein change: p.Asp182Gly; replaces aspartic acid 182 with glycine.
Molecular consequence: missense variant. On other transcripts: non-coding transcript variant (1).
Genome position (GRCh38, 1-based): chr16:23,535,301, T>C on the plus strand (A>G on the coding strand, the complement: EARS2 is on the minus strand). VCF-style: chr16-23535301-T-C. GRCh37 (hg19) VCF-style: chr16-23546622-T-C.
Other names: c.545A>G (NM_001083614.1); c.545A>G, p.Asp182Gly (NM_001308211.1, NM_133451.1); short protein forms D182G.
Identifiers: ClinVar variation 2111149 (VCV002111149.6), dbSNP rs1186127220, ClinGen allele CA395135249.

ClinVar aggregate classification (germline): Uncertain significance. Review status: criteria provided, multiple submitters, no conflicts (2 of 4 stars). 2 submissions from 2 submitters: Uncertain significance (2). Last evaluated 2023-08-22.

Conditions:
Inborn genetic diseases. Identifiers: MedGen C0950123, MeSH D030342.

Allele frequency attached by ClinVar (database versions not stated): TOPMed below 0.00001; gnomAD 0.00001; gnomAD exomes 0.00001.
gnomAD v4.1: 14 of 1,604,076 alleles (0.00087%); highest among the groups gnomAD compares: Non-Finnish European, 0.0012%; no homozygotes.

Submissions (2):

Ambry Genetics
Classification: Uncertain significance for Inborn genetic diseases. Last evaluated: 2023-08-22. Review status: criteria provided, single submitter. Criteria: Ambry Variant Classification Scheme 2023. Collection method: clinical testing. Allele origin: germline.

Labcorp Genetics (formerly Invitae), Labcorp
Classification: Uncertain significance. Last evaluated: 2022-10-24. Review status: criteria provided, single submitter. Criteria: Invitae Variant Classification Sherloc (09022015). Collection method: clinical testing. Allele origin: germline.
Comment: In summary, the available evidence is currently insufficient to determine the role of this variant in disease. Therefore, it has been classified as a Variant of Uncertain Significance. Advanced modeling of protein sequence and biophysical properties (such as structural, functional, and spatial information, amino acid conservation, physicochemical variation, residue mobility, and thermodynamic stability) performed at Invitae indicates that this missense variant is not expected to disrupt EARS2 protein function. This variant has not been reported in the literature in individuals affected with EARS2-related conditions. This variant is present in population databases (no rsID available, gnomAD 0.007%). This sequence change replaces aspartic acid, which is acidic and polar, with glycine, which is neutral and non-polar, at codon 182 of the EARS2 protein (p.Asp182Gly).